The following is an entry in ClinVar:

ClinVar aggregate classification (germline): Likely pathogenic. Review status: criteria provided, single submitter (1 of 4 stars). 2 submissions from 2 submitters: Likely pathogenic (1). 1 of the submissions does not count toward it. Last evaluated 2016-11-03.

Conditions:
Blepharophimosis, ptosis, and epicanthus inversus syndrome. Identifiers: Orphanet 126, MedGen C0220663, MONDO:0007201, OMIM 110100.

Submissions (2):

Genomic Diagnostic Laboratory, Division of Genomic Diagnostics, Children's Hospital of Philadelphia
Classification: Likely pathogenic for Blepharophimosis, ptosis, and epicanthus inversus syndrome. Last evaluated: 2016-11-03. Review status: criteria provided, single submitter. Criteria: DGD Variant Analysis Guidelines. Collection method: clinical testing. Allele origin: germline. Affected: yes. Observed: 2 variant alleles.
Comment: Clinical Testing

Wessex Regional Genetics Laboratory, Salisbury District Hospital
Classification: Likely pathogenic for Blepharophimosis, ptosis, and epicanthus inversus syndrome. Last evaluated: 2011-01-01. Review status: no assertion criteria provided. Criteria: ACMG Guidelines, 2015. Collection method: clinical testing. Allele origin: unknown. Inheritance: Autosomal dominant inheritance. Affected: yes. Not counted in ClinVar's aggregate classification.

NM_023067.4(FOXL2):c.311A>G (p.His104Arg)

Gene: FOXL2 (forkhead box L2; minus strand). Cytogenetic location: 3q22.3.
Variant type: single nucleotide variant.
Coding change: c.311A>G on transcript NM_023067.4 (MANE Select); coding-DNA position 311, A replaced by G.
Protein change: p.His104Arg; replaces histidine 104 with arginine.
Molecular consequence: missense variant.
Genome position (GRCh38, 1-based): chr3:138,946,412, T>C on the plus strand (A>G on the coding strand, the complement: FOXL2 is on the minus strand). VCF-style: chr3-138946412-T-C. GRCh37 (hg19) VCF-style: chr3-138665254-T-C.
Other names: short protein forms H104R.
Identifiers: ClinVar variation 369902 (VCV000369902.2), dbSNP rs1057516153, ClinGen allele CA10654892.